The following is an entry in ClinVar:

ClinVar aggregate classification (germline): Uncertain significance. Review status: criteria provided, multiple submitters, no conflicts (2 of 4 stars). 3 submissions from 3 submitters: Uncertain significance (2). 1 of the submissions does not count toward it. Last evaluated 2026-07-14.

Conditions:
ALAD-related disorder. Also called: ALAD-related condition.
Porphobilinogen synthase deficiency. Also called: Porphyria due to ALA dehydratase deficiency; ALAD DEFICIENCY; DELTA-AMINOLEVULINATE DEHYDRATASE DEFICIENCY; DOSS PORPHYRIA; PORPHYRIA, ALAD. Identifiers: Orphanet 100924, MedGen C0268328, MONDO:0013000, OMIM 612740.

Allele frequency attached by ClinVar (database versions not stated): gnomAD exomes 0.00014 and 0.00028; ESP Exome Variant Server 0.00015; gnomAD 0.00022 and 0.00021; TOPMed 0.00026; ExAC 0.00015; 1000 Genomes Project 0.00020; 1000 Genomes Project 30x 0.00031.

Submissions (3):

PreventionGenetics, part of Exact Sciences
Classification: Uncertain significance for ALAD-related condition. Last evaluated: 2026-07-14. Review status: criteria provided, single submitter. Criteria: ACMG Guidelines, 2015. Collection method: clinical testing. Allele origin: germline.
Comment: The ALAD c.29G>C variant is predicted to result in the amino acid substitution p.Gly10Ala. To our knowledge, this variant has not been reported in the literature. This variant is reported in 0.027% of alleles in individuals of European (Non-Finnish) descent in gnomAD. At this time, the clinical significance of this variant is uncertain due to the absence of conclusive functional and genetic evidence.

Labcorp Genetics (formerly Invitae), Labcorp
Classification: Uncertain significance. Last evaluated: 2025-06-17. Review status: criteria provided, single submitter. Criteria: Invitae Variant Classification Sherloc (09022015). Collection method: clinical testing. Allele origin: germline.
Comment: This sequence change replaces glycine, which is neutral and non-polar, with alanine, which is neutral and non-polar, at codon 10 of the ALAD protein (p.Gly10Ala). This variant is present in population databases (rs199655229, gnomAD 0.03%). This variant has not been reported in the literature in individuals affected with ALAD-related conditions. ClinVar contains an entry for this variant (Variation ID: 522441). Invitae Evidence Modeling of protein sequence and biophysical properties (such as structural, functional, and spatial information, amino acid conservation, physicochemical variation, residue mobility, and thermodynamic stability) indicates that this missense variant is not expected to disrupt ALAD protein function with a negative predictive value of 80%. In summary, the available evidence is currently insufficient to determine the role of this variant in disease. Therefore, it has been classified as a Variant of Uncertain Significance.

Bioscientia Institut fuer Medizinische Diagnostik GmbH, Sonic Healthcare
Classification: Uncertain significance for Porphobilinogen synthase deficiency. Last evaluated: 2017-09-18. Review status: no assertion criteria provided. Collection method: clinical testing. Allele origin: germline. Affected: yes. Not counted in ClinVar's aggregate classification.

NM_000031.6(ALAD):c.29G>C (p.Gly10Ala)

Gene: ALAD (aminolevulinate dehydratase; minus strand). Cytogenetic location: 9q32.
Variant type: single nucleotide variant.
Coding change: c.29G>C on transcript NM_000031.6 (MANE Select); coding-DNA position 29, G replaced by C.
Protein change: p.Gly10Ala; replaces glycine 10 with alanine.
Molecular consequence: missense variant. On other transcripts: 5 prime UTR variant (1).
Genome position (GRCh38, 1-based): chr9:113,393,531, C>G on the plus strand (G>C on the coding strand, the complement: ALAD is on the minus strand). VCF-style: chr9-113393531-C-G. GRCh37 (hg19) VCF-style: chr9-116155811-C-G.
Other names: c.-51G>C (NM_001003945.3); c.56G>C, p.Gly19Ala (NM_001317745.2); short protein forms G10A, G19A.
Identifiers: ClinVar variation 522441 (VCV000522441.10), dbSNP rs199655229, ClinGen allele CA5196671.
Genomic context (GRCh38, chr9:113,393,531, plus strand): 5'-TTGGAGGCATTGAGGGTGGTGGTGGCTGTCTGCCAGGCCCGAAGTAGTGGGTGGAAGTAG[C>G]CGCTGTGCAGAACGGACTGGGGCTGCATGGCGTGGGCCAGTGGGCACAGGGGCATCAGTT-3'
Protein context (NP_000022.3, residues 1-20): MQPQSVLHS[Gly10Ala]YFHPLLRAWQ